The following is an entry in ClinVar:

ClinVar aggregate classification (germline): Pathogenic (1 of 4 stars; one submission).

Conditions:
Neurofibromatosis, type 2 (SWNV). Also called: BILATERAL ACOUSTIC NEUROFIBROMATOSIS; SCHWANNOMATOSIS, VESTIBULAR; NF2-Related Schwannomatosis. Identifiers: Orphanet 637, MedGen C0027832, MONDO:0007039, OMIM 101000. Disease mechanism: loss of function.

Submission:

Labcorp Genetics (formerly Invitae), Labcorp
Classification: Pathogenic for Neurofibromatosis, type 2. Last evaluated: 2019-05-06. Review status: criteria provided, single submitter. Criteria: Invitae Variant Classification Sherloc (09022015). Collection method: clinical testing. Allele origin: germline.
Comment: This sequence change creates a premature translational stop signal (p.His84Glnfs*2) in the NF2 gene. It is expected to result in an absent or disrupted protein product. This variant is not present in population databases (ExAC no frequency). Loss-of-function variants in NF2 are known to be pathogenic (PMID: 9643284, 16983642). For these reasons, this variant has been classified as Pathogenic.

Literature cited by the submitters: PubMed 9643284; PubMed 16983642.

NM_000268.4(NF2):c.251dup (p.His84fs)

Gene: NF2 (NF2, moesin-ezrin-radixin like (MERLIN) tumor suppressor; plus strand). Cytogenetic location: 22q12.2.
Variant type: Duplication.
Coding change: c.251dup on transcript NM_000268.4 (MANE Select); coding-DNA position 251, one base duplicated (A; older notation c.251dupA).
Protein change: p.His84fs; shifts the reading frame from histidine 84.
Molecular consequence: frameshift variant. On other transcripts: non-coding transcript variant (1), intron variant (3).
Genome position (GRCh38, 1-based): chr22:29,639,100, A duplicated. VCF-style (leftmost placement, unchanged base first): chr22-29639099-C-CA. GRCh37 (hg19) VCF-style: chr22-30035088-C-CA.
Other names: c.251dup, p.His84fs (NM_016418.5, NM_181825.3, NM_181832.3 and 1 more transcripts); c.125dup, p.His42fs (NM_181828.3); c.240+2224dup (NM_181829.3); c.115-3102dup (NM_181830.3, NM_181831.3); short protein forms H42fs, H84fs.
Identifiers: ClinVar variation 861060 (VCV000861060.10), dbSNP rs2065728187, ClinGen allele CA916081973.